The following is an entry in ClinVar:

NM_000135.4(FANCA):c.80C>T (p.Ala27Val)

Gene: FANCA (FA complementation group A; minus strand). Cytogenetic location: 16q24.3.
Variant type: single nucleotide variant.
Coding change: c.80C>T on transcript NM_000135.4 (MANE Select); coding-DNA position 80, C replaced by T.
Protein change: p.Ala27Val; replaces alanine 27 with valine.
Molecular consequence: missense variant.
Genome position (GRCh38, 1-based): chr16:89,815,986, G>A on the plus strand (C>T on the coding strand, the complement: FANCA is on the minus strand). VCF-style: chr16-89815986-G-A. GRCh37 (hg19) VCF-style: chr16-89882394-G-A.
Other names: c.80C>T, p.Ala27Val (NM_001018112.3, NM_001286167.3, NM_001351830.2); short protein forms A27V.
Identifiers: ClinVar variation 1976457 (VCV001976457.2), dbSNP rs765679791, ClinGen allele CA397483816.
Genomic context (GRCh38, chr16:89,815,986, plus strand): 5'-GCTGATTCCTTTAATTTCTGTGCCCTTTCAGGATTATATTTTTCCCTCTTGACCCTTCCC[G>A]CTACGGAGAGAAGTCGGTTCGAAACCATCACAGCACAATTCACACACGGGGTCCCCGGCC-3'
Protein context (NP_000126.2, residues 17-37): GRRRAWAELL[Ala27Val]GRVKREKYNP

ClinVar aggregate classification (germline): Uncertain significance (1 of 4 stars; one submission).

Conditions:
Fanconi anemia (FA). Also called: Fanconi's anemia. Identifiers: Orphanet 84, MedGen C0015625, MeSH D005199, MONDO:0019391.

gnomAD v4.1: 13 of 1,610,752 alleles (0.00081%); highest among the groups gnomAD compares: Admixed American, 0.0033%; no homozygotes.

Submission:

Labcorp Genetics (formerly Invitae), Labcorp
Classification: Uncertain significance for Fanconi anemia. Last evaluated: 2021-09-17. Review status: criteria provided, single submitter. Criteria: Invitae Variant Classification Sherloc (09022015). Collection method: clinical testing. Allele origin: germline.
Comment: This sequence change replaces alanine with valine at codon 27 of the FANCA protein (p.Ala27Val). The alanine residue is weakly conserved and there is a small physicochemical difference between alanine and valine. This variant is not present in population databases (ExAC no frequency). This variant has not been reported in the literature in individuals with FANCA-related conditions. Algorithms developed to predict the effect of missense changes on protein structure and function are either unavailable or do not agree on the potential impact of this missense change (SIFT: "Tolerated"; PolyPhen-2: "Possibly Damaging"; Align-GVGD: "Class C0"). In summary, the available evidence is currently insufficient to determine the role of this variant in disease. Therefore, it has been classified as a Variant of Uncertain Significance.